The following is an entry in ClinVar:

NM_001486.4(GCKR):c.1756G>T (p.Glu586Ter)

Gene: GCKR (glucokinase regulator; plus strand). Cytogenetic location: 2p23.3.
Variant type: single nucleotide variant.
Coding change: c.1756G>T on transcript NM_001486.4 (MANE Select); coding-DNA position 1756, G replaced by T.
Protein change: p.Glu586Ter; replaces glutamic acid 586 with a stop codon.
Molecular consequence: nonsense.
Genome position (GRCh38, 1-based): chr2:27,523,317, G>T. VCF-style: chr2-27523317-G-T. GRCh37 (hg19) VCF-style: chr2-27746184-G-T.
Other names: c.1756G>T (NM_001486.3); short protein forms E586*.
Identifiers: ClinVar variation 3666000 (VCV003666000.3).

ClinVar aggregate classification (germline): Conflicting classifications of pathogenicity. Review status: criteria provided, conflicting classifications (1 of 4 stars). 2 submissions from 2 submitters: Uncertain significance (1); Benign (1). Last evaluated 2024-12-09.

Submissions (2):

GeneDx
Classification: Uncertain significance. Last evaluated: 2024-12-09. Review status: criteria provided, single submitter. Criteria: GeneDx Variant Classification Process June 2021. Collection method: clinical testing. Allele origin: germline. Affected: yes.
Comment: Identified in cohorts of patients with reported dyslipidemia and hypertriglyceridemia in the published literature; however, detailed clinical information was not provided (PMID: 32041611, 36325899); Nonsense variant predicted to result in protein truncation as the last 40 amino acids are lost; This variant is associated with the following publications: (PMID: 32041611, 36325899)

Labcorp Genetics (formerly Invitae), Labcorp
Classification: Benign. Last evaluated: 2024-04-08. Review status: criteria provided, single submitter. Criteria: Invitae Variant Classification Sherloc (09022015). Collection method: clinical testing. Allele origin: germline.